The following is an entry in ClinVar:

ClinVar aggregate classification (germline): Conflicting classifications of pathogenicity. Review status: criteria provided, conflicting classifications (1 of 4 stars). 9 submissions from 8 submitters: Uncertain significance (2); Benign (1); Likely benign (5). 1 of the submissions does not count toward it. Last evaluated 2025-11-20.

Conditions:
Kidney disorder. Also called: renal disorder; Nephropathy; Kidney disease; Kidney Diseases; renal disease. Identifiers: MedGen C0022658, MONDO:0005240, HP:0000112.
NPHP4-related disorder. Also called: NPHP4-related disorders; NPHP4-related condition. Identifiers: MedGen CN239384.
Nephronophthisis. Also called: Juvenile Nephronophthisis. Identifiers: Orphanet 655, MedGen C0687120, MONDO:0019005, HP:0000090.
Senior-Loken syndrome 4 (SLSN4). Identifiers: Orphanet 3156, MedGen C1846979, MONDO:0011756, OMIM 606996.
Nephronophthisis 4 (NPHP4). Also called: NEPHRONOPHTHISIS 4, JUVENILE. Identifiers: Orphanet 655, MedGen C1847013, MONDO:0011752, OMIM 606966.

Allele frequency attached by ClinVar (database versions not stated): gnomAD 0.00020 and 0.00036; gnomAD exomes 0.00025 and 0.00074; 1000 Genomes Project 30x 0.00234; 1000 Genomes Project 0.00260; TOPMed 0.00054; ExAC 0.00075.
gnomAD v4.1: 414 of 1,613,844 alleles (0.026%); highest among the groups gnomAD compares: East Asian, 0.75%; 4 homozygotes.

Submissions (9):

Labcorp Genetics (formerly Invitae), Labcorp
Classification: Benign for Nephronophthisis. Last evaluated: 2025-11-20. Review status: criteria provided, single submitter. Criteria: Invitae Variant Classification Sherloc (09022015). Collection method: clinical testing. Allele origin: germline.

Mayo Clinic Laboratories, Mayo Clinic
Classification: Likely benign. Last evaluated: 2025-10-13. Review status: criteria provided, single submitter. Criteria: ACMG Guidelines, 2015. Collection method: clinical testing. Allele origin: germline. Observed: 1 variant allele.
Comment: BS1, BP4

Blueprint Genetics
Classification: Likely benign. Last evaluated: 2024-11-08. Review status: criteria provided, single submitter. Criteria: ACMG Guidelines, 2015. Collection method: clinical testing. Allele origin: germline.

Illumina Laboratory Services, Illumina
Classification: Likely benign for Senior-Loken syndrome 4. Last evaluated: 2018-01-12. Review status: criteria provided, single submitter. Criteria: ICSL Variant Classification Criteria 13 December 2019. Collection method: clinical testing. Allele origin: germline.
Comment: This variant was observed in the ICSL laboratory as part of a predisposition screen in an ostensibly healthy population. It had not been previously curated by ICSL or reported in the Human Gene Mutation Database (HGMD: prior to June 1st, 2018), and was therefore a candidate for classification through an automated scoring system. Utilizing variant allele frequency, disease prevalence and penetrance estimates, and inheritance mode, an automated score was calculated to assess if this variant is too frequent to cause the disease. Based on the score and internal cut-off values, a variant classified as likely benign is not then subjected to further curation. The score for this variant resulted in a classification of likely benign for this disease.

Illumina Laboratory Services, Illumina
Classification: Likely benign for Nephronophthisis 4. Last evaluated: 2018-01-12. Review status: criteria provided, single submitter. Criteria: ICSL Variant Classification Criteria 13 December 2019. Collection method: clinical testing. Allele origin: germline.
Comment: the same text as in the submission from Illumina Laboratory Services, Illumina above.

GeneDx
Classification: Uncertain significance. Last evaluated: 2017-07-18. Review status: criteria provided, single submitter. Criteria: GeneDx Variant Classification (06012015). Collection method: clinical testing. Allele origin: germline. Affected: yes.
Comment: The c.1196A>G variant in the NPHP4 gene has not been reported previously as a pathogenic variant, nor as a benign variant, to our knowledge. The c.1196A>G variant is observed in 82/8578 (0.96%) alleles from individuals of East Asian background, in the ExAC dataset (Lek et al., 2016). In-silico splice models predict that c.1196A>G may create a cryptic splice acceptor site in exon 10 that could supplant the natural splice acceptor site. However, in the absence of RNA/functional studies, the actual effect of the c.1196A>G change in this individual is unknown. If c.1196A>G does not alter splicing, it will result in the E399G missense change.The E399G variant is a non-conservative amino acid substitution, which is likely to impact secondary protein structure as these residues differ in polarity, charge, size and/or other properties. This substitution occurs at a position where amino acids with similar properties to Glutamic acid are tolerated across species. In silico analysis is inconsistent in its predictions as to whether or not the variant is damaging to the protein structure/function. We interpret c.1196A>G as a variant of uncertain significance.

Genome Diagnostics Laboratory, The Hospital for Sick Children
Classification: Uncertain significance for Kidney disorder. Last evaluated: 2017-05-01. Review status: criteria provided, single submitter. Criteria: ACMG Guidelines, 2015. Collection method: clinical testing. Allele origin: germline.

Eurofins Ntd Llc (ga)
Classification: Likely benign. Last evaluated: 2016-09-28. Review status: criteria provided, single submitter. Criteria: EGL Classification Definitions 2015. Collection method: clinical testing. Allele origin: germline. Observed: 2 variant alleles, 2 heterozygotes.

PreventionGenetics, part of Exact Sciences
Classification: Benign for NPHP4-related condition. Last evaluated: 2019-10-01. Review status: no assertion criteria provided. Collection method: clinical testing. Allele origin: germline. Not counted in ClinVar's aggregate classification.
Comment: This variant is classified as benign based on ACMG/AMP sequence variant interpretation guidelines (Richards et al. 2015 PMID: 25741868, with internal and published modifications).

Literature cited by the submitters: PubMed 31056860 (cited by Mayo Clinic Laboratories, Mayo Clinic).

NM_015102.5(NPHP4):c.1196A>G (p.Glu399Gly)

Gene: NPHP4 (nephrocystin 4; minus strand). Cytogenetic location: 1p36.31.
Variant type: single nucleotide variant.
Coding change: c.1196A>G on transcript NM_015102.5 (MANE Select); coding-DNA position 1196, A replaced by G.
Protein change: p.Glu399Gly; replaces glutamic acid 399 with glycine.
Molecular consequence: missense variant. On other transcripts: 5 prime UTR variant (2), non-coding transcript variant (1).
Genome position (GRCh38, 1-based): chr1:5,933,253, T>C on the plus strand (A>G on the coding strand, the complement: NPHP4 is on the minus strand). VCF-style: chr1-5933253-T-C. GRCh37 (hg19) VCF-style: chr1-5993313-T-C.
Other names: p.Glu399Gly; c.-171A>G (NM_001291593.2, NM_001291594.2); short protein forms E399G.
Identifiers: ClinVar variation 297823 (VCV000297823.26), dbSNP rs117898549, ClinGen allele CA554598.